The following is an entry in ClinVar:

ClinVar aggregate classification (germline): Likely benign (1 of 4 stars; one submission).

Submission:

CeGaT Center for Human Genetics Tuebingen
Classification: Likely benign. Last evaluated: 2025-06-01. Review status: criteria provided, single submitter. Criteria: CeGaT Center For Human Genetics Tuebingen Variant Classification Criteria Version 2. Collection method: clinical testing. Allele origin: germline. Affected: yes. Observed: 1 variant allele.
Comment: CACNA1A: PM2:Supporting, BP4, BP7

NM_001127222.2(CACNA1A):c.6018C>T (p.Leu2006=)

Gene: CACNA1A (calcium voltage-gated channel subunit alpha1 A; minus strand). Cytogenetic location: 19p13.13.
Variant type: single nucleotide variant.
Coding change: c.6018C>T on transcript NM_001127222.2 (MANE Select); coding-DNA position 6018, C replaced by T.
Protein change: p.Leu2006=; no amino-acid change (leucine 2006 retained).
Molecular consequence: synonymous variant.
Genome position (GRCh38, 1-based): chr19:13,212,663, G>A on the plus strand (C>T on the coding strand, the complement: CACNA1A is on the minus strand). VCF-style: chr19-13212663-G-A. GRCh37 (hg19) VCF-style: chr19-13323477-G-A.
Other names: c.6036C>T, p.Leu2012= (NM_000068.4, NM_023035.3); c.6021C>T, p.Leu2007= (NM_001127221.2); c.6027C>T, p.Leu2009= (NM_001174080.2).
Identifiers: ClinVar variation 4084896 (VCV004084896.8).